The following is an entry in ClinVar:

ClinVar aggregate classification (germline): Conflicting classifications of pathogenicity. Review status: criteria provided, conflicting classifications (1 of 4 stars). 2 submissions from 2 submitters: Likely pathogenic (1); Uncertain significance (1). Last evaluated 2024-12-18.

Conditions:
Developmental and epileptic encephalopathy, 5 (DEE5). Identifiers: Orphanet 3451, MedGen C3150731, MONDO:0013277, OMIM 613477.

Allele frequency attached by ClinVar (database versions not stated): gnomAD exomes below 0.00001.
gnomAD v4.1: 2 of 1,614,006 alleles (0.00012%); highest among the groups gnomAD compares: Non-Finnish European, 0.000085%; no homozygotes.

Submissions (2):

Genomic Medicine Center of Excellence, King Faisal Specialist Hospital and Research Centre
Classification: Likely pathogenic for Developmental and epileptic encephalopathy, 5. Last evaluated: 2024-12-18. Review status: criteria provided, single submitter. Criteria: ACMG Guidelines, 2015. Collection method: clinical testing. Allele origin: germline.

Centre for Mendelian Genomics, University Medical Centre Ljubljana
Classification: Uncertain significance for Developmental and epileptic encephalopathy, 5. Last evaluated: 2019-08-22. Review status: criteria provided, single submitter. Criteria: ACMG Guidelines, 2015. Collection method: clinical testing. Allele origin: unknown. Affected: yes.
Comment: This variant was classified as: Uncertain significance. The available evidence on this variant's pathogenicity is insufficient or conflicting. The following ACMG criteria were applied in classifying this variant: PP3.

NM_001130438.3(SPTAN1):c.1456C>G (p.Gln486Glu)

Gene: SPTAN1 (spectrin alpha, non-erythrocytic 1; plus strand). Cytogenetic location: 9q34.11.
Variant type: single nucleotide variant.
Coding change: c.1456C>G on transcript NM_001130438.3 (MANE Select); coding-DNA position 1456, C replaced by G.
Protein change: p.Gln486Glu; replaces glutamine 486 with glutamic acid.
Molecular consequence: missense variant.
Genome position (GRCh38, 1-based): chr9:128,581,054, C>G. VCF-style: chr9-128581054-C-G. GRCh37 (hg19) VCF-style: chr9-131343333-C-G.
Other names: c.1456C>G, p.Gln486Glu (NM_001195532.2, NM_001363759.2, NM_001363765.2 and 5 more transcripts); c.1492C>G, p.Gln498Glu (NM_001375312.2, NM_001375318.1); short protein forms Q486E, Q498E.
Identifiers: ClinVar variation 930568 (VCV000930568.4), dbSNP rs1455085342, ClinGen allele CA375053886.